The following is an entry in ClinVar:

ClinVar aggregate classification (germline): Uncertain significance (1 of 4 stars; one submission).

Allele frequency attached by ClinVar (database versions not stated): gnomAD exomes below 0.00001 and 0.00001; TOPMed below 0.00001; gnomAD 0.00001; ExAC 0.00002.
gnomAD v4.1: 5 of 1,611,096 alleles (0.00031%); highest among the groups gnomAD compares: Non-Finnish European, 0.00042%; no homozygotes.

Submission:

Labcorp Genetics (formerly Invitae), Labcorp
Classification: Uncertain significance. Last evaluated: 2022-08-23. Review status: criteria provided, single submitter. Criteria: Invitae Variant Classification Sherloc (09022015). Collection method: clinical testing. Allele origin: germline.
Comment: In summary, the available evidence is currently insufficient to determine the role of this variant in disease. Therefore, it has been classified as a Variant of Uncertain Significance. Variants that disrupt the consensus splice site are a relatively common cause of aberrant splicing (PMID: 17576681, 9536098). Algorithms developed to predict the effect of sequence changes on RNA splicing suggest that this variant may disrupt the consensus splice site. ClinVar contains an entry for this variant (Variation ID: 1400942). This variant has not been reported in the literature in individuals affected with IL6ST-related conditions. This variant is present in population databases (rs755271418, gnomAD 0.002%). This sequence change falls in intron 4 of the IL6ST gene. It does not directly change the encoded amino acid sequence of the IL6ST protein. It affects a nucleotide within the consensus splice site.

Literature cited by the submitters: PubMed 17576681; PubMed 9536098.

NM_002184.4(IL6ST):c.371-3T>A

Gene: IL6ST (interleukin 6 cytokine family signal transducer; minus strand). Cytogenetic location: 5q11.2.
Variant type: single nucleotide variant.
Coding change: c.371-3T>A on transcript NM_002184.4 (MANE Select); 3 bases into the intron before coding-DNA position 371, T replaced by A.
Molecular consequence: intron variant.
Genome position (GRCh38, 1-based): chr5:55,968,399, A>T on the plus strand (T>A on the coding strand, the complement: IL6ST is on the minus strand). VCF-style: chr5-55968399-A-T. GRCh37 (hg19) VCF-style: chr5-55264227-A-T.
Other names: c.161-3T>A (NM_001364276.2); c.-423+1151T>A (NM_001364279.2, NM_001364277.2); c.-413+1151T>A (NM_001364278.2); c.371-3T>A (NM_175767.3, NM_001190981.2, NM_001364275.2).
Identifiers: ClinVar variation 1400942 (VCV001400942.6), dbSNP rs755271418, ClinGen allele CA3271715.